The following is an entry in ClinVar:

NM_006580.4(CLDN16):c.-104C>T

Gene: CLDN16 (claudin 16; plus strand). Cytogenetic location: 3q28.
Variant type: single nucleotide variant.
Coding change: c.-104C>T on transcript NM_006580.4 (MANE Select); 104 bases upstream of the start codon, C replaced by T.
Molecular consequence: 5 prime UTR variant. On other transcripts: intron variant (2).
Genome position (GRCh38, 1-based): chr3:190,388,226, C>T. VCF-style: chr3-190388226-C-T. GRCh37 (hg19) VCF-style: chr3-190106015-C-T.
Other names: c.-93-11C>T (NM_001378492.1, NM_001378493.1).
Identifiers: ClinVar variation 1912714 (VCV001912714.5), dbSNP rs1456194869, ClinGen allele CA355762326.

ClinVar aggregate classification (germline): Uncertain significance (1 of 4 stars; one submission).

Allele frequency attached by ClinVar (database versions not stated): gnomAD exomes below 0.00001; TOPMed below 0.00001; gnomAD 0.00001.
gnomAD v4.1: 2 of 1,613,980 alleles (0.00012%); highest among the groups gnomAD compares: Non-Finnish European, 0.00017%; no homozygotes.

Submission:

Labcorp Genetics (formerly Invitae), Labcorp
Classification: Uncertain significance. Last evaluated: 2024-10-30. Review status: criteria provided, single submitter. Criteria: Invitae Variant Classification Sherloc (09022015). Collection method: clinical testing. Allele origin: germline.
Comment: This sequence change replaces serine, which is neutral and polar, with leucine, which is neutral and non-polar, at codon 36 of the CLDN16 protein (p.Ser36Leu). The frequency data for this variant in the population databases is considered unreliable, as metrics indicate poor data quality at this position in the gnomAD database. This variant has not been reported in the literature in individuals affected with CLDN16-related conditions. ClinVar contains an entry for this variant (Variation ID: 1912714). Invitae Evidence Modeling of protein sequence and biophysical properties (such as structural, functional, and spatial information, amino acid conservation, physicochemical variation, residue mobility, and thermodynamic stability) indicates that this missense variant is not expected to disrupt CLDN16 protein function with a negative predictive value of 95%. In summary, the available evidence is currently insufficient to determine the role of this variant in disease. Therefore, it has been classified as a Variant of Uncertain Significance.